The following is an entry in ClinVar:

NM_002474.3(MYH11):c.2135G>A (p.Arg712Gln)

Gene: MYH11 (myosin heavy chain 11; minus strand). Cytogenetic location: 16p13.11.
Variant type: single nucleotide variant.
Coding change: c.2135G>A on transcript NM_002474.3 (MANE Select); coding-DNA position 2135, G replaced by A.
Protein change: p.Arg712Gln; replaces arginine 712 with glutamine.
Molecular consequence: missense variant.
Genome position (GRCh38, 1-based): chr16:15,748,092, C>T on the plus strand (G>A on the coding strand, the complement: MYH11 is on the minus strand). VCF-style: chr16-15748092-C-T. GRCh37 (hg19) VCF-style: chr16-15841949-C-T.
Other names: c.2156G>A, p.Arg719Gln (NM_001040113.2, NM_001040114.2); c.2135G>A, p.Arg712Gln (NM_022844.3); short protein forms R712Q, R719Q.
Identifiers: ClinVar variation 14135 (VCV000014135.29), dbSNP rs267606902, ClinGen allele CA257134.

ClinVar aggregate classification (germline): Conflicting classifications of pathogenicity. Review status: criteria provided, conflicting classifications (1 of 4 stars). 8 submissions from 8 submitters: Pathogenic (2); Likely pathogenic (4); Uncertain significance (1). 1 of the submissions does not count toward it. Last evaluated 2025-12-21.

Conditions:
Aortic aneurysm, familial thoracic 4 (AAT4). Also called: AORTIC ANEURYSM/AORTIC DISSECTION AND PATENT DUCTUS ARTERIOSUS. Identifiers: MedGen C1851504, MONDO:0007568, OMIM 132900.
Visceral myopathy 2. Identifiers: MedGen C5543466, MONDO:0859157, OMIM 619350.
Megacystis-microcolon-intestinal hypoperistalsis syndrome 2. Identifiers: MedGen C5543476, MONDO:0025708, OMIM 619351.
Familial thoracic aortic aneurysm and aortic dissection (TAAD). Also called: Thoracic aortic aneurysms and dissections. Identifiers: Orphanet 91387, MedGen C4707243, MONDO:0019625.

Allele frequency attached by ClinVar (database versions not stated): gnomAD exomes below 0.00001.
gnomAD v4.1: 1 of 1,614,164 alleles (0.000062%); highest among the groups gnomAD compares: Non-Finnish European, 0.000085%; no homozygotes.

Submissions (8):

Labcorp Genetics (formerly Invitae), Labcorp
Classification: Pathogenic for Aortic aneurysm, familial thoracic 4. Last evaluated: 2025-12-21. Review status: criteria provided, single submitter. Criteria: Invitae Variant Classification Sherloc (09022015). Collection method: clinical testing. Allele origin: germline.
Comment: This sequence change replaces arginine, which is basic and polar, with glutamine, which is neutral and polar, at codon 719 of the MYH11 protein (p.Arg719Gln). This variant is not present in population databases (gnomAD no frequency). This missense change has been observed in individuals with thoracic aortic aneurysm and dissection (PMID: 17666408, 30885847; internal data). It has also been observed to segregate with disease in related individuals. This variant is also known as p.Arg712Gln. ClinVar contains an entry for this variant (Variation ID: 14135). Invitae Evidence Modeling of protein sequence and biophysical properties (such as structural, functional, and spatial information, amino acid conservation, physicochemical variation, residue mobility, and thermodynamic stability) indicates that this missense variant is not expected to disrupt MYH11 protein function with a negative predictive value of 95%. For these reasons, this variant has been classified as Pathogenic.

GeneDx
Classification: Likely pathogenic. Last evaluated: 2025-11-18. Review status: criteria provided, single submitter. Criteria: GeneDx Variant Classification Process June 2021. Collection method: clinical testing. Allele origin: germline. Affected: yes.
Comment: Identified in patients with TAAD referred for genetic testing at GeneDx and in published literature (PMID: 17666408, 30885847, 33083483); Not observed at significant frequency in large population cohorts (gnomAD); In silico analysis supports that this missense variant has a deleterious effect on protein structure/function; This variant is associated with the following publications: (PMID: 27879251, 30885847, 33083483, 34350653, 17666408, PortelliS2023[Preprint], 36517271)

Ambry Genetics
Classification: Pathogenic for Familial thoracic aortic aneurysm and aortic dissection. Last evaluated: 2024-01-09. Review status: criteria provided, single submitter. Criteria: Ambry Variant Classification Scheme 2023. Collection method: clinical testing. Allele origin: germline.
Comment: The p.R712Q pathogenic mutation (also known as c.2135G>A), located in coding exon 16 of the MYH11 gene, results from a G to A substitution at nucleotide position 2135. The arginine at codon 712 is replaced by glutamine, an amino acid with some similar properties. In one study, this mutation segregated with thoracic aortic aneurysms and dissections (TAAD) and/or patent ductus arteriosus (PDA) phenotypes in five individuals in one family, and was not present in 360 control chromosomes (Pannu H et al. Hum Mol Genet. 2007;16(20):2453-62). This alteration has been observed in at least one additional individual with a personal and/or family history of TAAD (Ambry internal data). This variant is considered to be rare based on population cohorts in the Genome Aggregation Database (gnomAD). This amino acid position is highly conserved in available vertebrate species. In addition, this alteration is predicted to be deleterious by in silico analysis. Based on the supporting evidence, this alteration is interpreted as a disease-causing mutation.

All of Us Research Program, National Institutes of Health
Classification: Likely pathogenic for Familial thoracic aortic aneurysm and aortic dissection. Last evaluated: 2023-07-07. Review status: criteria provided, single submitter. Criteria: ACMG Guidelines, 2015. Collection method: clinical testing. Allele origin: germline. Inheritance: Autosomal dominant inheritance. Observed: 2 variant alleles, 2 heterozygotes.
Comment: The c.2156G>A (p.Arg719Gln) variant of the MYH11 gene has been reported to segregate with thoracic aortic aneurysms and dissections (TAAD) and/or patent ductus arteriosus (PDA) phenotype in one family without being observed in 360 control chromosomes (PMID: 17666408). In this family, five individuals with this variant were affected with TADD, PDA, or premature CAD, while three other individuals with this variant had no phenotype, suggesting incomplete penetrance. This variant is predicted to affect the ATPase region and destabilize the SH1 helix and hence prevent the motor domain and lever arm from communicating effectively (PMID: 17666408). This variant has not been identified in the general population by the Genome Aggregation Database (gnomAD). Computational evidence supports a deleterious effect on the gene or gene product. Therefore, the c.2156G>A (p.Arg719Gln) variant of the MYH11 gene is classified as likely pathogenic.

This study involves interpretation of variants in research participants for the purpose of population health screening. Participant phenotype was not available at the time of variant classification. Additional details can be found in publication PMID: 35346344, PMCID: PMC8962531

Fulgent Genetics
Classification: Likely pathogenic for Aortic aneurysm, familial thoracic 4; Visceral myopathy 2; Megacystis-microcolon-intestinal hypoperistalsis syndrome 2. Last evaluated: 2021-12-03. Review status: criteria provided, single submitter. Criteria: ACMG Guidelines, 2015. Collection method: clinical testing. Allele origin: unknown.

Revvity Omics, Revvity
Classification: Uncertain significance. Last evaluated: 2019-05-03. Review status: criteria provided, single submitter. Criteria: ACMG Guidelines, 2015. Collection method: clinical testing. Allele origin: germline.

Juno Genomics, Hangzhou Juno Genomics, Inc
Classification: Likely pathogenic for Aortic aneurysm, familial thoracic 4. Review status: criteria provided, single submitter. Criteria: ACMG Guidelines, 2015. Collection method: clinical testing. Allele origin: germline. Affected: yes.
Comment: Absent from controls (or at extremely low frequency if recessive) in Genome Aggregation Database.;Multiple lines of computational evidence support a deleterious effect on the gene or gene product.;Missense variant in a gene that has a low rate of benign missense variation.;The prevalence of the variant in affected individuals is significantly increased compared to the prevalence in controls.;Co-segregation with disease in multiple affected family members.

OMIM
Classification: Pathogenic for AORTIC ANEURYSM, FAMILIAL THORACIC 4. Last evaluated: 2007-10-15. Review status: no assertion criteria provided. Collection method: literature only. Allele origin: germline. Not counted in ClinVar's aggregate classification.

Literature cited by the submitters: PubMed 17666408 (cited by 4 submitters); PubMed 30885847 (cited by Labcorp Genetics (formerly Invitae), Labcorp and All of Us Research Program, National Institutes of Health); PubMed 30739908 (cited by All of Us Research Program, National Institutes of Health); PubMed 33083483 (cited by All of Us Research Program, National Institutes of Health).